The following is an entry in ClinVar:

ClinVar aggregate classification (germline): Likely benign. Review status: criteria provided, single submitter (1 of 4 stars). 2 submissions from 2 submitters: Likely benign (1). 1 of the submissions does not count toward it. Last evaluated 2026-01-25.

Conditions:
TCF20-related disorder. Also called: TCF20-related condition.

Allele frequency attached by ClinVar (database versions not stated): gnomAD exomes 0.00003; ExAC 0.00026; 1000 Genomes Project 30x 0.00062; gnomAD 0.00062; TOPMed 0.00064; ESP Exome Variant Server 0.00077; 1000 Genomes Project 0.00080.
gnomAD v4.1: 144 of 1,614,180 alleles (0.0089%); highest among the groups gnomAD compares: African/African-American, 0.17%; no homozygotes.

Submissions (2):

Labcorp Genetics (formerly Invitae), Labcorp
Classification: Likely benign. Last evaluated: 2026-01-25. Review status: criteria provided, single submitter. Criteria: Invitae Variant Classification Sherloc (09022015). Collection method: clinical testing. Allele origin: germline.

PreventionGenetics, part of Exact Sciences
Classification: Likely benign for TCF20-related condition. Last evaluated: 2023-08-22. Review status: no assertion criteria provided. Collection method: clinical testing. Allele origin: germline. Not counted in ClinVar's aggregate classification.
Comment: This variant is classified as likely benign based on ACMG/AMP sequence variant interpretation guidelines (Richards et al. 2015 PMID: 25741868, with internal and published modifications).

NM_001378418.1(TCF20):c.1454C>A (p.Thr485Asn)

Gene: TCF20 (transcription factor 20; minus strand). Cytogenetic location: 22q13.2.
Variant type: single nucleotide variant.
Coding change: c.1454C>A on transcript NM_001378418.1 (MANE Select); coding-DNA position 1454, C replaced by A.
Protein change: p.Thr485Asn; replaces threonine 485 with asparagine.
Molecular consequence: missense variant.
Genome position (GRCh38, 1-based): chr22:42,213,852, G>T on the plus strand (C>A on the coding strand, the complement: TCF20 is on the minus strand). VCF-style: chr22-42213852-G-T. GRCh37 (hg19) VCF-style: chr22-42609858-G-T.
Other names: c.1454C>A, p.Thr485Asn (NM_005650.4, NM_181492.3); c.1454C>A (NM_005650.3); short protein forms T485N.
Identifiers: ClinVar variation 2059899 (VCV002059899.6), dbSNP rs6002656, ClinGen allele CA10267177.